The following is an entry in ClinVar:

NM_000038.6(APC):c.992C>T (p.Ser331Leu)

Gene: APC (APC regulator of Wnt signaling pathway; plus strand). Cytogenetic location: 5q22.2.
Variant type: single nucleotide variant.
Coding change: c.992C>T on transcript NM_000038.6 (MANE Select); coding-DNA position 992, C replaced by T.
Protein change: p.Ser331Leu; replaces serine 331 with leucine.
Molecular consequence: missense variant. On other transcripts: intron variant (4).
Genome position (GRCh38, 1-based): chr5:112,819,024, C>T. VCF-style: chr5-112819024-C-T. GRCh37 (hg19) VCF-style: chr5-112154721-C-T.
Other names: c.992C>T, p.Ser331Leu (NM_001127510.3, NM_001354895.2, NM_001354896.2); c.938C>T, p.Ser313Leu (NM_001127511.3); c.1022C>T, p.Ser341Leu (NM_001354897.2); c.917C>T, p.Ser306Leu (NM_001354898.2); c.908C>T, p.Ser303Leu (NM_001354899.2); c.815C>T, p.Ser272Leu (NM_001354900.2, NM_001354901.2); c.143C>T, p.Ser48Leu (NM_001354906.2); c.964-245C>T (NM_001354902.2); and 3 more; short protein forms S313L, S331L, S272L, S303L, S341L, S48L, S306L.
Identifiers: ClinVar variation 470160 (VCV000470160.18), dbSNP rs745918184, ClinGen allele CA051359.

ClinVar aggregate classification (germline): Uncertain significance. Review status: criteria provided, multiple submitters, no conflicts (2 of 4 stars). 6 submissions from 6 submitters: Uncertain significance (6). Last evaluated 2026-05-12.

Conditions:
Hereditary cancer-predisposing syndrome. Also called: Neoplastic Syndromes, Hereditary; Hereditary neoplastic syndrome; Hereditary Cancer Syndrome; Tumor predisposition. Identifiers: Orphanet 140162, MedGen C0027672, MeSH D009386, MONDO:0015356.
Classic or attenuated familial adenomatous polyposis. Identifiers: MedGen CN372698, MONDO:0021057.
Familial adenomatous polyposis 1 (FAP1). Also called: FAMILIAL ADENOMATOUS POLYPOSIS 1, ATTENUATED; POLYPOSIS, ADENOMATOUS INTESTINAL. Identifiers: MedGen C2713442, MONDO:0021056, OMIM 175100. Disease mechanism: loss of function.

Allele frequency attached by ClinVar (database versions not stated): TOPMed 0.00001; gnomAD exomes below 0.00001; ExAC 0.00001; gnomAD 0.00001.
gnomAD v4.1: 2 of 1,613,904 alleles (0.00012%); highest among the groups gnomAD compares: Non-Finnish European, 0.00017%; no homozygotes.

Submissions (6):

Women's Health and Genetics/Laboratory Corporation of America, LabCorp
Classification: Uncertain significance. Last evaluated: 2026-05-12. Review status: criteria provided, single submitter. Criteria: LabCorp Variant Classification Summary - May 2015. Collection method: clinical testing. Allele origin: germline.
Comment: Variant summary: APC c.992C>T (p.Ser331Leu) results in a non-conservative amino acid change in the encoded protein sequence. Algorithms developed to predict the effect of missense changes on protein structure and function all suggest that this variant is likely to be disruptive. The variant allele was found at a frequency of 4e-06 in 251114 control chromosomes. The available data on variant occurrences in the general population are insufficient to allow any conclusion about variant significance. To our knowledge, no occurrence of c.992C>T in individuals affected with APC-related conditions and no experimental evidence demonstrating its impact on protein function have been reported. ClinVar contains an entry for this variant (Variation ID: 470160). Based on the evidence outlined above, the variant was classified as uncertain significance.

Ambry Genetics
Classification: Uncertain significance for Hereditary cancer-predisposing syndrome. Last evaluated: 2025-12-01. Review status: criteria provided, single submitter. Criteria: Ambry Variant Classification Scheme 2023. Collection method: clinical testing. Allele origin: germline.
Comment: The p.S331L variant (also known as c.992C>T), located in coding exon 9 of the APC gene, results from a C to T substitution at nucleotide position 992. The serine at codon 331 is replaced by leucine, an amino acid with dissimilar properties. This amino acid position is highly conserved in available vertebrate species. In addition, in silico predictors for this gene do not accurately predict pathogenicity. Since supporting evidence is limited at this time, the clinical significance of this alteration remains unclear.

All of Us Research Program, National Institutes of Health
Classification: Uncertain significance for Classic or attenuated familial adenomatous polyposis. Last evaluated: 2024-05-17. Review status: criteria provided, single submitter. Criteria: ACMG Guidelines, 2015. Collection method: clinical testing. Allele origin: germline. Inheritance: Autosomal dominant inheritance. Observed: 1 variant allele, 1 heterozygote.
Comment: This study involves interpretation of variants in research participants for the purpose of population health screening. Participant phenotype was not available at the time of variant classification. Additional details can be found in publication PMID: 35346344, PMCID: PMC8962531

Color Diagnostics, LLC DBA Color Health
Classification: Uncertain significance for Hereditary cancer-predisposing syndrome. Last evaluated: 2024-01-22. Review status: criteria provided, single submitter. Criteria: ACMG Guidelines, 2015. Collection method: clinical testing. Allele origin: germline.
Comment: This missense variant replaces serine with leucine at codon 331 of the APC protein. Computational prediction suggests that this variant may have deleterious impact on protein structure and function (internally defined REVEL score threshold >= 0.7, PMID: 27666373). To our knowledge, functional studies have not been reported for this variant. This variant has not been reported in individuals affected with APC-related disorders in the literature. This variant has been identified in 1/251114 chromosomes in the general population by the Genome Aggregation Database (gnomAD). The available evidence is insufficient to determine the role of this variant in disease conclusively. Therefore, this variant is classified as a Variant of Uncertain Significance.

Labcorp Genetics (formerly Invitae), Labcorp
Classification: Uncertain significance for Familial adenomatous polyposis 1. Last evaluated: 2023-11-01. Review status: criteria provided, single submitter. Criteria: Invitae Variant Classification Sherloc (09022015). Collection method: clinical testing. Allele origin: germline.
Comment: This sequence change replaces serine, which is neutral and polar, with leucine, which is neutral and non-polar, at codon 331 of the APC protein (p.Ser331Leu). This variant is present in population databases (rs745918184, gnomAD 0.0009%). This variant has not been reported in the literature in individuals affected with APC-related conditions. ClinVar contains an entry for this variant (Variation ID: 470160). Advanced modeling of protein sequence and biophysical properties (such as structural, functional, and spatial information, amino acid conservation, physicochemical variation, residue mobility, and thermodynamic stability) has been performed at Invitae for this missense variant, however the output from this modeling did not meet the statistical confidence thresholds required to predict the impact of this variant on APC protein function. In summary, the available evidence is currently insufficient to determine the role of this variant in disease. Therefore, it has been classified as a Variant of Uncertain Significance.

Baylor Genetics
Classification: Uncertain significance for Familial adenomatous polyposis 1. Last evaluated: 2023-09-28. Review status: criteria provided, single submitter. Criteria: ACMG Guidelines, 2015. Collection method: clinical testing. Allele origin: unknown.